The following is an entry in ClinVar:

NM_144563.3(RPIA):c.738+5G>C

Gene: RPIA (ribose 5-phosphate isomerase A; plus strand). Cytogenetic location: 2p11.2.
Variant type: single nucleotide variant.
Coding change: c.738+5G>C on transcript NM_144563.3 (MANE Select); 5 bases into the intron after coding-DNA position 738, G replaced by C.
Molecular consequence: intron variant.
Genome position (GRCh38, 1-based): chr2:88,736,681, G>C. VCF-style: chr2-88736681-G-C. GRCh37 (hg19) VCF-style: chr2-89036198-G-C.
Identifiers: ClinVar variation 4879698 (VCV004879698.1).
Genomic context (GRCh38, chr2:88,736,681, plus strand): 5'-CTGTGAGCCAGAAGTTTGGGGGCGTGGTTGAACTTCGAATGGCTGTCAACAAGGCTGTGA[G>C]TGGCCTGGTTGGGCCGGGGGTGTGCTGGGTGCACTCAGGTTTTCAGTGTGGTGTCCTCCC-3'

ClinVar aggregate classification (germline): Uncertain significance (1 of 4 stars; one submission).

Conditions:
Deficiency of ribose-5-phosphate isomerase. Also called: Ribose-5-P isomerase deficiency. Identifiers: Orphanet 440706, MedGen C1291609, MONDO:0012073, OMIM 608611.

Submission:

Victorian Clinical Genetics Services, Murdoch Childrens Research Institute
Classification: Uncertain significance for Deficiency of ribose-5-phosphate isomerase. Last evaluated: 2026-02-20. Review status: criteria provided, single submitter. Criteria: ACMG Guidelines, 2015. Collection method: clinical testing. Allele origin: germline. Affected: yes.
Comment: This variant is classified as VUS-3A. Evidence in support of pathogenic classification: Non-canonical splice site variant without proven consequence on splicing (no functional evidence available); Variant is absent from gnomAD (v2, v3 and v4); Abnormal splicing is predicted by in silico tool and affected nucleotide is highly conserved. Additional information: This variant is heterozygous; This gene is associated with autosomal recessive disease; This variant has no previous evidence of pathogenicity; No published evidence of segregation with disease has been identified for this variant; No published functional evidence has been identified for this variant; No comparable splice site variants have previous evidence for pathogenicity; Loss of function is a known mechanism of disease in this gene and is associated with ribose 5-phosphate isomerase deficiency (MIM#608611) - Inheritance information for this variant is not currently available in this individual.